The following is an entry in ClinVar:

ClinVar aggregate classification (germline): Uncertain significance. Review status: criteria provided, multiple submitters, no conflicts (2 of 4 stars). 2 submissions from 2 submitters: Uncertain significance (2). Last evaluated 2022-07-29.

Conditions:
Hereditary nonpolyposis colorectal neoplasms. Identifiers: MedGen C0009405, MeSH D003123.
Hereditary cancer-predisposing syndrome. Also called: Tumor predisposition; Hereditary Cancer Syndrome; Hereditary neoplastic syndrome; Neoplastic Syndromes, Hereditary. Identifiers: Orphanet 140162, MedGen C0027672, MeSH D009386, MONDO:0015356.

Submissions (2):

Labcorp Genetics (formerly Invitae), Labcorp
Classification: Uncertain significance for Hereditary nonpolyposis colorectal neoplasms. Last evaluated: 2022-07-29. Review status: criteria provided, single submitter. Criteria: Invitae Variant Classification Sherloc (09022015). Collection method: clinical testing. Allele origin: germline.
Comment: In summary, the available evidence is currently insufficient to determine the role of this variant in disease. Therefore, it has been classified as a Variant of Uncertain Significance. Advanced modeling of protein sequence and biophysical properties (such as structural, functional, and spatial information, amino acid conservation, physicochemical variation, residue mobility, and thermodynamic stability) performed at Invitae indicates that this missense variant is expected to disrupt MSH6 protein function. This variant has not been reported in the literature in individuals affected with MSH6-related conditions. This variant is not present in population databases (gnomAD no frequency). This sequence change replaces aspartic acid, which is acidic and polar, with tyrosine, which is neutral and polar, at codon 713 of the MSH6 protein (p.Asp713Tyr).

Ambry Genetics
Classification: Uncertain significance for Hereditary cancer-predisposing syndrome. Last evaluated: 2017-10-24. Review status: criteria provided, single submitter. Criteria: Ambry Variant Classification Scheme 2023. Collection method: clinical testing. Allele origin: germline.

NM_000179.3(MSH6):c.2137G>T (p.Asp713Tyr)

Gene: MSH6 (mutS homolog 6; plus strand). Cytogenetic location: 2p16.3.
Variant type: single nucleotide variant.
Coding change: c.2137G>T on transcript NM_000179.3 (MANE Select); coding-DNA position 2137, G replaced by T.
Protein change: p.Asp713Tyr; replaces aspartic acid 713 with tyrosine.
Molecular consequence: missense variant.
Genome position (GRCh38, 1-based): chr2:47,800,120, G>T. VCF-style: chr2-47800120-G-T. GRCh37 (hg19) VCF-style: chr2-48027259-G-T.
Other names: c.1747G>T, p.Asp583Tyr (NM_001281492.2); c.1231G>T, p.Asp411Tyr (NM_001281493.2, NM_001281494.2, NM_001406811.1 and 6 more transcripts); c.2233G>T, p.Asp745Tyr (NM_001406795.1, NM_001406802.1); c.2137G>T, p.Asp713Tyr (NM_001406796.1, NM_001406798.1, NM_001406800.1 and 3 more transcripts); c.1840G>T, p.Asp614Tyr (NM_001406797.1, NM_001406801.1, NM_001406805.1 and 10 more transcripts); c.1612G>T, p.Asp538Tyr (NM_001406799.1, NM_001406806.1, NM_001406807.1); c.2059G>T, p.Asp687Tyr (NM_001406804.1); c.2143G>T, p.Asp715Tyr (NM_001406813.1); and 1 more; short protein forms D411Y, D538Y, D614Y, D745Y, D583Y, D713Y, D715Y, D657Y.
Identifiers: ClinVar variation 1971951 (VCV001971951.6), dbSNP rs876660123, ClinGen allele CA346751060.